The following is an entry in ClinVar:

NM_002929.3(GRK1):c.1390G>C (p.Glu464Gln)

Gene: GRK1 (G protein-coupled receptor kinase 1; plus strand). Cytogenetic location: 13q34.
Variant type: single nucleotide variant.
Coding change: c.1390G>C on transcript NM_002929.3 (MANE Select); coding-DNA position 1390, G replaced by C.
Protein change: p.Glu464Gln; replaces glutamic acid 464 with glutamine.
Molecular consequence: missense variant.
Genome position (GRCh38, 1-based): chr13:113,733,079, G>C. VCF-style: chr13-113733079-G-C. GRCh37 (hg19) VCF-style: chr13-114436052-G-C.
Other names: short protein forms E464Q.
Identifiers: ClinVar variation 4529694 (VCV004529694.2).

ClinVar aggregate classification (germline): Conflicting classifications of pathogenicity. Review status: criteria provided, conflicting classifications (1 of 4 stars). 2 submissions from 2 submitters: Uncertain significance (1); Likely benign (1). Last evaluated 2025-05-11.

gnomAD v4.1: 333 of 1,536,306 alleles (0.022%); highest among the groups gnomAD compares: African/African-American, 0.41%; 2 homozygotes.

Submissions (2):

GeneDx
Classification: Uncertain significance. Last evaluated: 2025-05-11. Review status: criteria provided, single submitter. Criteria: GeneDx Variant Classification Process June 2021. Collection method: clinical testing. Allele origin: germline. Affected: yes.
Comment: In silico analysis suggests that this missense variant does not alter protein structure/function; Has not been previously published in association with a GRK1-related disorder to our knowledge; This variant is associated with the following publications: (PMID: 33252155)

Blueprint Genetics
Classification: Likely benign. Last evaluated: 2023-11-13. Review status: criteria provided, single submitter. Criteria: ACMG Guidelines, 2015. Collection method: clinical testing. Allele origin: germline.